The following is an entry in ClinVar:

ClinVar aggregate classification (germline): Likely pathogenic. Review status: criteria provided, single submitter (1 of 4 stars). 2 submissions from 2 submitters: Likely pathogenic (1). 1 of the submissions does not count toward it. Last evaluated 2025-09-29.

Conditions:
Smith-Lemli-Opitz syndrome (SLOS). Also called: LETHAL ACRODYSGENITAL SYNDROME; POLYDACTYLY, SEX REVERSAL, RENAL HYPOPLASIA, AND UNILOBAR LUNG; RSH SYNDROME; RUTLEDGE LETHAL MULTIPLE CONGENITAL ANOMALY SYNDROME; 7-Dehydrocholesterol reductase deficiency. Identifiers: Orphanet 818, MedGen C0175694, MONDO:0010035, OMIM 270400.

gnomAD v4.1: 1 of 1,614,130 alleles (0.000062%); highest among the groups gnomAD compares: Non-Finnish European, 0.000085%; no homozygotes.

Submissions (2):

Natera, Inc.
Classification: Likely pathogenic for Smith-Lemli-Opitz syndrome. Last evaluated: 2025-09-29. Review status: criteria provided, single submitter. Criteria: Natera Variant Classification Schema (03/2026). Collection method: clinical testing. Allele origin: germline.
Comment: The c.626+1G>C variant in DHCR7 is a canonical splice donor site variant predicted to affect pre-mRNA splicing, which may result in an abnormal transcript and altered protein product. This variant is expected to result in nonsense mediated decay, truncation, or a dysfunctional protein product. This variant is rare in the general population with a frequency below the threshold expected for the associated phenotype(s). Given the available evidence, this variant is classified as Likely Pathogenic.

Counsyl
Classification: Likely pathogenic for Smith-Lemli-Opitz syndrome. Last evaluated: 2018-03-24. Review status: no assertion criteria provided. Collection method: clinical testing. Allele origin: unknown. Not counted in ClinVar's aggregate classification.

NM_001360.3(DHCR7):c.626+1G>C

Gene: DHCR7 (7-dehydrocholesterol reductase; minus strand). Cytogenetic location: 11q13.4.
Variant type: single nucleotide variant.
Coding change: c.626+1G>C on transcript NM_001360.3 (MANE Select); the canonical splice donor site of the intron after coding-DNA position 626, G replaced by C.
Molecular consequence: splice donor variant.
Genome position (GRCh38, 1-based): chr11:71,441,226, C>G on the plus strand (G>C on the coding strand, the complement: DHCR7 is on the minus strand). VCF-style: chr11-71441226-C-G. GRCh37 (hg19) VCF-style: chr11-71152272-C-G.
Other names: c.626+1G>C (NM_001163817.2).
Identifiers: ClinVar variation 557422 (VCV000557422.3), dbSNP rs1471145742, ClinGen allele CA381694277.